The following is an entry in ClinVar:

NM_000548.5(TSC2):c.4663-7_4663-6delinsTT

Gene: TSC2 (TSC complex subunit 2; plus strand). Cytogenetic location: 16p13.3.
Variant type: Indel.
Coding change: c.4663-7_4663-6delinsTT on transcript NM_000548.5 (MANE Select); 7 bases into the intron before coding-DNA position 4663 through 6 bases into the intron before coding-DNA position 4663, CC replaced by TT.
Molecular consequence: intron variant.
Genome position (GRCh38, 1-based): chr16:2,086,186-2,086,187, CC replaced by TT. VCF-style: chr16-2086186-CC-TT. GRCh37 (hg19) VCF-style: chr16-2136187-CC-TT.
Other names: c.3121-7_3121-6delinsTT (NM_001406693.1, NM_001406692.1, NM_001406694.1); c.4555-7_4555-6delinsTT (NM_001406667.1); c.4552-7_4552-6delinsTT (NM_001406668.1); c.4063-7_4063-6delinsTT (NM_001406680.1); c.3994-7_3994-6delinsTT (NM_001406683.1, NM_001406682.1); c.3862-7_3862-6delinsTT (NM_001406687.1, NM_001406688.1); c.3250-7_3250-6delinsTT (NM_001406689.1); c.3190-7_3190-6delinsTT (NM_001406690.1); and 26 more.
Identifiers: ClinVar variation 2730831 (VCV002730831.3), dbSNP rs2544365594, ClinGen allele CA2697549432.

ClinVar aggregate classification (germline): Uncertain significance (1 of 4 stars; one submission).

Conditions:
Tuberous sclerosis 2 (TSC2). Identifiers: Orphanet 805, MedGen C1860707, MONDO:0013199, OMIM 613254.

Submission:

Labcorp Genetics (formerly Invitae), Labcorp
Classification: Uncertain significance for Tuberous sclerosis 2. Last evaluated: 2023-07-16. Review status: criteria provided, single submitter. Criteria: Invitae Variant Classification Sherloc (09022015). Collection method: clinical testing. Allele origin: germline.
Comment: In summary, the available evidence is currently insufficient to determine the role of this variant in disease. Therefore, it has been classified as a Variant of Uncertain Significance. This variant has not been reported in the literature in individuals affected with TSC2-related conditions. Information on the frequency of this variant in the gnomAD database is not available, as this variant may be reported differently in the database. This sequence change falls in intron 36 of the TSC2 gene. It does not directly change the encoded amino acid sequence of the TSC2 protein.